The following is an entry in ClinVar:

ClinVar aggregate classification (germline): Conflicting classifications of pathogenicity. Review status: criteria provided, conflicting classifications (1 of 4 stars). 6 submissions from 6 submitters: Likely pathogenic (2); Uncertain significance (4). Last evaluated 2025-11-17.

Conditions:
SLC26A2-related skeletal dysplasia. Identifiers: MedGen CN379209, MONDO:0100592.
SLC26A2-related disorder. Also called: SLC26A2-related condition; SLC26A2-related disorders. Identifiers: MedGen CN239404.
Diastrophic dysplasia (DTD). Also called: Diastrophic dwarfism. Identifiers: Orphanet 628, MedGen C0220726, MONDO:0009107, OMIM 222600.
Connective tissue disorder. Also called: Connective tissue disease. Identifiers: MedGen C0009782, MONDO:0003900.

Allele frequency attached by ClinVar (database versions not stated): gnomAD exomes below 0.00001.
gnomAD v4.1: 4 of 1,613,620 alleles (0.00025%); highest among the groups gnomAD compares: Middle Eastern, 0.05%; no homozygotes.

Submissions (6):

Myriad Genetics, Inc.
Classification: Uncertain significance for SLC26A2-related skeletal dysplasia. Last evaluated: 2025-11-17. Review status: criteria provided, single submitter. Criteria: Myriad Autosomal Dominant, Autosomal Recessive and X-Linked Classification Criteria (2023). Collection method: clinical testing. Allele origin: unknown.
Comment: NM_000112.3(SLC26A2):c.395T>C(L132P) is a missense variant classified as a variant of uncertain significance in the context of SLC26A2-related disorders. L132P has been observed in cases with relevant disease (PMID: 11241838). Relevant functional assessments of this variant are not available in the literature. L132P has not been observed in referenced population frequency databases. In summary, there is insufficient evidence to classify NM_000112.3(SLC26A2):c.395T>C(L132P) as pathogenic or benign. Please note: this variant was assessed in the context of healthy population screening.

3billion
Classification: Uncertain significance for SLC26A2-related disorder. Last evaluated: 2024-06-28. Review status: criteria provided, single submitter. Criteria: ACMG Guidelines, 2015. Collection method: clinical testing. Allele origin: germline. Affected: yes.
Comment: The variant is observed at an extremely low frequency in the gnomAD v4.0.0 dataset (total allele frequency: <0.001%). Predicted Consequence/Location: The majority of the known disease-causing variants of this gene are variants expected to result in premature termination of the protein. In silico tool predictions suggest damaging effect of the variant on gene or gene product [REVEL: 0.97 (>=0.6, sensitivity 0.68 and specificity 0.92); 3Cnet: 0.97 (>=0.6, sensitivity 0.72 and precision 0.9)]. The same nucleotide change resulting in the same amino acid change has been previously reported to be associated with SLC26A2-related disorder (ClinVar ID: VCV001319561). However, the evidence of pathogenicity is insufficient at this time. Therefore, this variant is classified as VUS according to the recommendation of ACMG/AMP guideline.

Blueprint Genetics
Classification: Uncertain significance. Last evaluated: 2024-02-21. Review status: criteria provided, single submitter. Criteria: ACMG Guidelines, 2015. Collection method: clinical testing. Allele origin: germline.

Institute for Clinical Genetics, University Hospital TU Dresden, University Hospital TU Dresden
Classification: Likely pathogenic. Last evaluated: 2021-11-03. Review status: criteria provided, single submitter. Criteria: ACMG Guidelines, 2015. Collection method: clinical testing. Allele origin: germline.

Genome Diagnostics Laboratory, The Hospital for Sick Children
Classification: Uncertain significance for Connective tissue disorder. Last evaluated: 2018-08-15. Review status: criteria provided, single submitter. Criteria: ACMG Guidelines, 2015. Collection method: clinical testing. Allele origin: germline.

Medical Molecular Genetics Department, National Research Center
Classification: Likely pathogenic for Diastrophic dysplasia. Review status: criteria provided, single submitter. Criteria: ACMG Guidelines, 2015. Collection method: research. Allele origin: germline. Inheritance: Autosomal recessive inheritance. Affected: yes.
Comment: The c.395T>C; It is of low frequency in the population dataset, 0.0002%, and has never been recorded in the homozygous pattern. The aggregated computational analysis predicts it as Deleterious (0.9). This variant is recorded in ClinVar (RCV003237558). The variant is classified as likely pathogenic according to ACMG guidelines (PP5, PP3, PM2).

Literature cited by the submitters: PubMed 11241838 (cited by Myriad Genetics, Inc.); PubMed 34064542 (cited by Medical Molecular Genetics Department, National Research Center).

NM_000112.4(SLC26A2):c.395T>C (p.Leu132Pro)

Gene: SLC26A2 (solute carrier family 26 member 2; plus strand). Cytogenetic location: 5q32.
Variant type: single nucleotide variant.
Coding change: c.395T>C on transcript NM_000112.4 (MANE Select); coding-DNA position 395, T replaced by C.
Protein change: p.Leu132Pro; replaces leucine 132 with proline.
Molecular consequence: missense variant.
Genome position (GRCh38, 1-based): chr5:149,978,047, T>C. VCF-style: chr5-149978047-T-C. GRCh37 (hg19) VCF-style: chr5-149357610-T-C.
Other names: short protein forms L132P.
Identifiers: ClinVar variation 1319561 (VCV001319561.10), dbSNP rs1755026324, ClinGen allele CA361704903.